The following continues an entry in ClinVar:

NM_000059.4(BRCA2):c.2803G>A (p.Asp935Asn)

Gene: BRCA2. ClinVar aggregate classification (germline): Benign/Likely benign. Benign (11); Likely benign (16).

Submissions 22 to 36 of 36:

Color Diagnostics, LLC DBA Color Health
Classification: Likely benign for Hereditary cancer-predisposing syndrome. Last evaluated: 2015-04-22. Review status: criteria provided, single submitter. Criteria: ACMG Guidelines, 2015. Collection method: clinical testing. Allele origin: germline.

Ambry Genetics
Classification: Benign for Hereditary cancer-predisposing syndrome. Last evaluated: 2014-11-19. Review status: criteria provided, single submitter. Criteria: Ambry Variant Classification Scheme 2023. Collection method: clinical testing. Allele origin: germline.

Genome Diagnostics Laboratory, University Medical Center Utrecht
Classification: Benign for Breast-ovarian cancer, familial, susceptibility to, 2. Last evaluated: 2014-10-09. Review status: criteria provided, single submitter. Criteria: ACGS Guidelines, 2013. Collection method: clinical testing. Allele origin: germline. Affected: yes. Study: VKGL Data-share Consensus.

Eurofins Ntd Llc (ga)
Classification: Likely benign. Last evaluated: 2014-09-10. Review status: criteria provided, single submitter. Criteria: EGL Classification Definitions 2015. Collection method: clinical testing. Allele origin: germline. Observed: 1 variant allele, 1 heterozygote.

GeneDx
Classification: Benign. Last evaluated: 2013-11-06. Review status: criteria provided, single submitter. Criteria: GeneDx Variant Classification (06012015). Collection method: clinical testing. Allele origin: germline. Affected: yes.
Comment: This variant is considered likely benign or benign based on one or more of the following criteria: it is a conservative change, it occurs at a poorly conserved position in the protein, it is predicted to be benign by multiple in silico algorithms, and/or has population frequency not consistent with disease.

Breakthrough Genomics
Classification: Likely benign. Review status: criteria provided, single submitter. Criteria: ACMG Guidelines, 2015. Collection method: not provided. Allele origin: germline. Inheritance: Autosomal recessive inheritance. Affected: yes.

Counsyl
Classification: Likely benign for Breast-ovarian cancer, familial 2. Last evaluated: 2014-01-02. Review status: no assertion criteria provided. Collection method: literature only. Allele origin: unknown. Inheritance: Autosomal dominant inheritance. Not counted in ClinVar's aggregate classification.

ITMI
No classification provided. Condition: AllHighlyPenetrant. Last evaluated: 2013-09-19. Review status: no classification provided. Collection method: reference population. Allele origin: germline. Not counted in ClinVar's aggregate classification.
Comment: Please see associated publication for description of ethnicities

Sharing Clinical Reports Project (SCRP)
Classification: Benign for Breast-ovarian cancer, familial 2. Last evaluated: 2012-05-01. Review status: no assertion criteria provided. Collection method: clinical testing. Allele origin: germline. Not counted in ClinVar's aggregate classification.

Breast Cancer Information Core (BIC) (BRCA2)
Classification: Benign for Breast-ovarian cancer, familial 2. Last evaluated: 2002-05-29. Review status: no assertion criteria provided. Collection method: clinical testing. Allele origin: germline. Affected: yes. Observed: 106 variant alleles. Not counted in ClinVar's aggregate classification.

Clinical Genetics Laboratory, Department of Pathology, Netherlands Cancer Institute
Classification: Benign. Review status: no assertion criteria provided. Collection method: clinical testing. Allele origin: germline. Affected: yes. Study: VKGL Data-share Consensus. Not counted in ClinVar's aggregate classification.

Department of Pathology and Laboratory Medicine, Sinai Health System
Classification: Benign for Malignant tumor of breast. Review status: no assertion criteria provided. Collection method: clinical testing. Allele origin: unknown. Affected: yes. Observed: 2 variant alleles. Study: The Canadian Open Genetics Repository (COGR). Not counted in ClinVar's aggregate classification.
Comment: The BRCA2, EXON11, c.2803G>A, p.Asp935Asn variant was identified in 5 of 5884 chromosomes (frequency: 0.001) from individuals with breast, ovarian or prostate cancer and was absent in 208 control chromosomes (Beetstra 2006, Capanu 2011, Edwards 2003, Soegaard 2008, Wagner 1999); however, an insufficient number of controls were included in these studies to determine the frequency of this variant in the general population. The variant was also identified in dbSNP (ID:rs28897716) â€šÃ„ÃºWith non-pathogenic alleleâ€šÃ„Ã¹, HGMD, LOVD, the BIC database (106X as a variant with no clinical importance), and UMD (53X as a neutral variant). In UMD, the variant was listed as co-occurring with four different pathogenic BRCA2 mutations and one pathogenic BRCA1 mutation, increasing the likelihood that this variant does not have clinical significance. In addition, Spurdle (2008) identified a homozygote with the variant who did not have clinical features of Fanconi anemia, further suggesting that this variant is neutral. In addition, the variant was listed in the 1000 Genomes Project with a frequency of 0.0005 and in the NHLBI Exome Sequencing Project with frequency of 0.0007, increasing the likelihood that this may be a low frequency benign variant in certain populations of origin. The p.Asp935 residue is not conserved in mammals and computational analyses (PolyPhen2, SIFT, AlignGVGD, BLOSUM) do not suggest a high likelihood of impact to the protein. Furthermore, three in silico studies predicted the variant to have no clinical significance or effect on risk (Capanu 2011, Lindor 2012, Moghadasi 2013). In summary, based on the above information, this variant meets our laboratory's criteria to be classified as benign.

Diagnostic Laboratory, Department of Genetics, University Medical Center Groningen
Classification: Benign for Breast-ovarian cancer, familial, susceptibility to, 2. Review status: no assertion criteria provided. Collection method: clinical testing. Allele origin: germline. Affected: yes. Study: VKGL Data-share Consensus. Not counted in ClinVar's aggregate classification.

Joint Genome Diagnostic Labs from Nijmegen and Maastricht, Radboudumc and MUMC+
Classification: Benign. Review status: no assertion criteria provided. Collection method: clinical testing. Allele origin: germline. Affected: yes. Study: VKGL Data-share Consensus. Not counted in ClinVar's aggregate classification.

Laboratory of Diagnostic Genome Analysis, Leiden University Medical Center (LUMC)
Classification: Likely benign. Review status: no assertion criteria provided. Collection method: clinical testing. Allele origin: germline. Affected: yes. Study: VKGL Data-share Consensus. Not counted in ClinVar's aggregate classification.

Literature cited by the submitters: PubMed 36329109 (cited by Genetics Program, Instituto Nacional de Cancer); PubMed 9971877 (cited by Illumina Laboratory Services, Illumina and Counsyl); PubMed 24728327 (cited by Illumina Laboratory Services, Illumina and ITMI); PubMed 20104584 (cited by Illumina Laboratory Services, Illumina and Counsyl); PubMed 12474142 (cited by Illumina Laboratory Services, Illumina and Counsyl); PubMed 15983021 (cited by Illumina Laboratory Services, Illumina and Counsyl); PubMed 15876480 (cited by Illumina Laboratory Services, Illumina and Counsyl).